The following is an entry in ClinVar:

NM_018429.3(BDP1):c.2510T>G (p.Ile837Ser)

Gene: BDP1 (BDP1 general transcription factor IIIB subunit; plus strand). Cytogenetic location: 5q13.2.
Variant type: single nucleotide variant.
Coding change: c.2510T>G on transcript NM_018429.3 (MANE Select); coding-DNA position 2510, T replaced by G.
Protein change: p.Ile837Ser; replaces isoleucine 837 with serine.
Molecular consequence: missense variant.
Genome position (GRCh38, 1-based): chr5:71,509,602, T>G. VCF-style: chr5-71509602-T-G. GRCh37 (hg19) VCF-style: chr5-70805429-T-G.
Other names: short protein forms I837S.
Identifiers: ClinVar variation 1278987 (VCV001278987.4), dbSNP rs191127702, ClinGen allele CA3296322.
Genomic context (GRCh38, chr5:71,509,602, plus strand): 5'-ATATAGGAAGAGGAACTGGAAGGAGAGAAATTTCCTCAAAGGAAGAGGTACTAGAGAAGA[T>G]TCTTGTCTCTGGGGAAATGGCGGCAGCATTGAGAGAAACTGTAAGACTAGACACCTCACC-3'
Protein context (NP_060899.2, residues 827-847): ISSKEEVLEK[Ile837Ser]LVSGEMAAAL

ClinVar aggregate classification (germline): Benign/Likely benign. Review status: criteria provided, multiple submitters, no conflicts (2 of 4 stars). 3 submissions from 3 submitters: Benign (1); Likely benign (1). 1 of the submissions does not count toward it. Last evaluated 2024-11-19.

Conditions:
BDP1-related disorder. Also called: BDP1-related condition.

Allele frequency attached by ClinVar (database versions not stated): gnomAD exomes 0.00018 and 0.00075; ESP Exome Variant Server 0.00025; gnomAD 0.00041 and 0.00056; TOPMed 0.00044; ExAC 0.00076; 1000 Genomes Project 0.00319; 1000 Genomes Project 30x 0.00328.
gnomAD v4.1: 420 of 1,613,906 alleles (0.026%); highest among the groups gnomAD compares: East Asian, 0.41%; 3 homozygotes.

Submissions (3):

Blueprint Genetics
Classification: Likely benign. Last evaluated: 2024-11-19. Review status: criteria provided, single submitter. Criteria: ACMG Guidelines, 2015. Collection method: clinical testing. Allele origin: germline.

GeneDx
Classification: Benign. Last evaluated: 2019-01-28. Review status: criteria provided, single submitter. Criteria: GeneDx Variant Classification Process June 2021. Collection method: clinical testing. Allele origin: germline. Affected: yes.

PreventionGenetics, part of Exact Sciences
Classification: Benign for BDP1-related condition. Last evaluated: 2024-05-14. Review status: no assertion criteria provided. Collection method: clinical testing. Allele origin: germline. Not counted in ClinVar's aggregate classification.
Comment: This variant is classified as benign based on ACMG/AMP sequence variant interpretation guidelines (Richards et al. 2015 PMID: 25741868, with internal and published modifications).